The following is an entry in ClinVar:

NM_015295.3(SMCHD1):c.5686C>T (p.Pro1896Ser)

Gene: SMCHD1 (structural maintenance of chromosomes flexible hinge domain containing 1; plus strand). Cytogenetic location: 18p11.32.
Variant type: single nucleotide variant.
Coding change: c.5686C>T on transcript NM_015295.3 (MANE Select); coding-DNA position 5686, C replaced by T.
Protein change: p.Pro1896Ser; replaces proline 1896 with serine.
Molecular consequence: missense variant.
Genome position (GRCh38, 1-based): chr18:2,784,588, C>T. VCF-style: chr18-2784588-C-T. GRCh37 (hg19) VCF-style: chr18-2784586-C-T.
Other names: short protein forms P1896S.
Identifiers: ClinVar variation 4744663 (VCV004744663.1).

ClinVar aggregate classification (germline): Uncertain significance (1 of 4 stars; one submission).

Conditions:
Facioscapulohumeral muscular dystrophy 2 (FSHD2). Also called: MUSCULAR DYSTROPHY, FACIOSCAPULOHUMERAL, TYPE 1B; FACIOSCAPULOHUMERAL MUSCULAR DYSTROPHY 2, DIGENIC; FSHD2, DIGENIC. Identifiers: Orphanet 269, MedGen C1834671, MONDO:0008031, OMIM 158901.

gnomAD v4.1: 1 of 1,605,870 alleles (0.000062%); highest among the groups gnomAD compares: Admixed American, 0.0017%; no homozygotes.

Submission:

Labcorp Genetics (formerly Invitae), Labcorp
Classification: Uncertain significance for Facioscapulohumeral muscular dystrophy 2. Last evaluated: 2025-11-03. Review status: criteria provided, single submitter. Criteria: Invitae Variant Classification Sherloc (09022015). Collection method: clinical testing. Allele origin: germline.
Comment: This sequence change replaces proline, which is neutral and non-polar, with serine, which is neutral and polar, at codon 1896 of the SMCHD1 protein (p.Pro1896Ser). This variant is not present in population databases (gnomAD no frequency). This variant has not been reported in the literature in individuals affected with SMCHD1-related conditions. Invitae Evidence Modeling of protein sequence and biophysical properties (such as structural, functional, and spatial information, amino acid conservation, physicochemical variation, residue mobility, and thermodynamic stability) has been performed for this missense variant. However, the output from this modeling did not meet the statistical confidence thresholds required to predict the impact of this variant on SMCHD1 protein function. In summary, the available evidence is currently insufficient to determine the role of this variant in disease. Therefore, it has been classified as a Variant of Uncertain Significance.